The following is an entry in ClinVar:

ClinVar aggregate classification (germline): Uncertain significance (1 of 4 stars; one submission).

Conditions:
Baraitser-winter syndrome 2. Identifiers: Orphanet 2995, MedGen C3281235, MONDO:0013812, OMIM 614583.

Submission:

MGZ Medical Genetics Center
Classification: Uncertain significance for Baraitser-winter syndrome 2. Last evaluated: 2022-01-26. Review status: criteria provided, single submitter. Criteria: ACMG Guidelines, 2015. Collection method: clinical testing. Allele origin: germline. Affected: yes. Observed: 1 variant allele.
Comment: ACMG criteria applied: PM2_SUP, PP2, PP3

NM_001614.5(ACTG1):c.124G>A (p.Gly42Ser)

Gene: ACTG1 (actin gamma 1; minus strand). Cytogenetic location: 17q25.3.
Variant type: single nucleotide variant.
Coding change: c.124G>A on transcript NM_001614.5 (MANE Select); coding-DNA position 124, G replaced by A.
Protein change: p.Gly42Ser; replaces glycine 42 with serine.
Molecular consequence: missense variant. On other transcripts: non-coding transcript variant (1).
Genome position (GRCh38, 1-based): chr17:81,512,142, C>T on the plus strand (G>A on the coding strand, the complement: ACTG1 is on the minus strand). VCF-style: chr17-81512142-C-T. GRCh37 (hg19) VCF-style: chr17-79479168-C-T.
Other names: c.124G>A, p.Gly42Ser (NM_001199954.3); short protein forms G42S.
Identifiers: ClinVar variation 1709112 (VCV001709112.2), dbSNP rs2544392416, ClinGen allele CA401463354.